The following is an entry in ClinVar:

ClinVar aggregate classification (germline): Likely benign (1 of 4 stars; one submission).

Submission:

CeGaT Center for Human Genetics Tuebingen
Classification: Likely benign. Last evaluated: 2026-04-01. Review status: criteria provided, single submitter. Criteria: CeGaT Center For Human Genetics Tuebingen Variant Classification Criteria Version 2. Collection method: clinical testing. Allele origin: germline. Affected: yes. Observed: 6 variant alleles.
Comment: KLF18: BP4, BP7

NM_001358438.1(KLF18):c.1419G>A (p.Gly473=)

Gene: KLF18 (KLF transcription factor 18; minus strand). Cytogenetic location: 1p34.1.
Variant type: single nucleotide variant.
Coding change: c.1419G>A on transcript NM_001358438.1 (MANE Select); coding-DNA position 1419, G replaced by A.
Protein change: p.Gly473=; no amino-acid change (glycine 473 retained).
Molecular consequence: synonymous variant.
Genome position (GRCh38, 1-based): chr1:44,140,213, C>T on the plus strand (G>A on the coding strand, the complement: KLF18 is on the minus strand). VCF-style: chr1-44140213-C-T. GRCh37 (hg19) VCF-style: chr1-44605885-C-T.
Identifiers: ClinVar variation 2638770 (VCV002638770.24), dbSNP rs916744456, ClinGen allele CA21690435.
Genomic context (GRCh38, chr1:44,140,213, plus strand): 5'-GGAGGTCATCATCTGCCCCCCGTAGAGGGCCTGGTTACCAGTGGAGGTCGTCACCTGCTC[C>T]CCACAGAGGGTCTGGTTACTAGTGGAGGTCGTCGTCTGCTCTCCACAGAGGGTCTGGTTA-3'
Protein context (NP_001345367.1, residues 463-483): TTSTSNQTLC[Gly473=]EQVTTSTGNQ